The following is an entry in ClinVar:

ClinVar aggregate classification (germline): Uncertain significance. Review status: criteria provided, multiple submitters, no conflicts (2 of 4 stars). 2 submissions from 2 submitters: Uncertain significance (2). Last evaluated 2022-10-17.

Conditions:
Cardiovascular phenotype. Identifiers: MedGen CN230736.
Naxos disease (NXD). Also called: KERATOSIS PALMOPLANTARIS WITH ARRHYTHMOGENIC CARDIOMYOPATHY; MAL DE NAXOS; PALMOPLANTAR KERATODERMA WITH ARRHYTHMOGENIC RIGHT VENTRICULAR CARDIOMYOPATHY AND WOOLLY HAIR; WOOLLY HAIR, PALMOPLANTAR KERATODERMA, AND CARDIAC ABNORMALITIES; CARDIOMYOPATHY, ARRHYTHMOGENIC RIGHT VENTRICULAR, WITH SKIN, HAIR, AND NAIL ABNORMALITIES. Identifiers: Orphanet 34217, MedGen C1832600, MONDO:0011017, OMIM 601214.
Arrhythmogenic right ventricular dysplasia 12. Also called: ARRHYTHMOGENIC RIGHT VENTRICULAR DYSPLASIA, FAMILIAL, 12. Identifiers: MedGen C1969081, MONDO:0012684, OMIM 611528.

Allele frequency attached by ClinVar (database versions not stated): gnomAD 0.00001.
gnomAD v4.1: 1 of 1,613,958 alleles (0.000062%); highest among the groups gnomAD compares: Non-Finnish European, 0.000085%; no homozygotes.

Submissions (2):

Ambry Genetics
Classification: Uncertain significance for Cardiovascular phenotype. Last evaluated: 2022-10-17. Review status: criteria provided, single submitter. Criteria: Ambry Variant Classification Scheme 2023. Collection method: clinical testing. Allele origin: germline.
Comment: The p.S464N variant (also known as c.1391G>A), located in coding exon 7 of the JUP gene, results from a G to A substitution at nucleotide position 1391. The serine at codon 464 is replaced by asparagine, an amino acid with highly similar properties. This amino acid position is conserved. In addition, this alteration is predicted to be tolerated by in silico analysis. Since supporting evidence is limited at this time, the clinical significance of this alteration remains unclear.

Labcorp Genetics (formerly Invitae), Labcorp
Classification: Uncertain significance for Arrhythmogenic right ventricular dysplasia 12; Naxos disease. Last evaluated: 2016-11-24. Review status: criteria provided, single submitter. Criteria: Invitae Variant Classification Sherloc (09022015). Collection method: clinical testing. Allele origin: germline.
Comment: This sequence change replaces serine with asparagine at codon 464 of the JUP protein (p.Ser464Asn). The serine residue is moderately conserved and there is a small physicochemical difference between serine and asparagine. This variant is not present in population databases (ExAC no frequency) and has not been reported in the literature in individuals with a JUP-related disease. Algorithms developed to predict the effect of missense changes on protein structure and function do not agree on the potential impact of this missense change (SIFT: "Deleterious"; PolyPhen-2: "Possibly Damaging"; Align-GVGD: "Class C0"). In summary, this variant is a novel missense change with uncertain impact on protein function. It has been classified as a Variant of Uncertain Significance.

NM_002230.4(JUP):c.1391G>A (p.Ser464Asn)

Gene: JUP (junction plakoglobin; minus strand). Cytogenetic location: 17q21.2.
Variant type: single nucleotide variant.
Coding change: c.1391G>A on transcript NM_002230.4 (MANE Select); coding-DNA position 1391, G replaced by A.
Protein change: p.Ser464Asn; replaces serine 464 with asparagine.
Molecular consequence: missense variant.
Genome position (GRCh38, 1-based): chr17:41,763,089, C>T on the plus strand (G>A on the coding strand, the complement: JUP is on the minus strand). VCF-style: chr17-41763089-C-T. GRCh37 (hg19) VCF-style: chr17-39919341-C-T.
Other names: c.1391G>A, p.Ser464Asn (NM_001352773.2, NM_001352774.2, NM_001352775.2 and 3 more transcripts); short protein forms S464N.
Identifiers: ClinVar variation 409991 (VCV000409991.10), dbSNP rs1060502681, ClinGen allele CA16615632.
Genomic context (GRCh38, chr17:41,763,089, plus strand): 5'-GCTGGGATGCCATAGTTGAGACGCACAGAGTTCTGGGCCATCTCGGCCTCAGGGTGGCGG[C>T]TAGTGAGGTGGCGCAGAGCGCAGACGGCAGGCTCCGTGATGTCGTCCTTGTCACCAGCAC-3'
Protein context (NP_002221.1, residues 454-474): PAVCALRHLT[Ser464Asn]RHPEAEMAQN